The following is an entry in ClinVar:

ClinVar aggregate classification (germline): Likely pathogenic (1 of 4 stars; one submission).

Conditions:
Isolated focal cortical dysplasia type II (FCORD2). Also called: CORTICAL DYSPLASIA OF TAYLOR; Focal cortical dysplasia type II. Identifiers: Orphanet 268994, MedGen C1846385, MONDO:0011818, OMIM 607341, HP:0032051.

Submission:

3billion
Classification: Likely pathogenic for Isolated focal cortical dysplasia type II. Last evaluated: 2025-11-04. Review status: criteria provided, single submitter. Criteria: ACMG Guidelines, 2015. Collection method: clinical testing. Allele origin: germline. Affected: yes.
Comment: The variant is not observed in the gnomAD v4.1.0 dataset. Predicted Consequence/Location: Frameshift: predicted to result in a loss or disruption of normal protein function through nonsense-mediated decay (NMD) or protein truncation. Multiple pathogenic variants are reported downstream of the variant. Therefore, this variant is classified as Likely pathogenic according to the recommendation of ACMG/AMP guideline.

NM_000368.5(TSC1):c.2135_2183del (p.His712fs)

Gene: TSC1 (TSC complex subunit 1; minus strand). Cytogenetic location: 9q34.13.
Variant type: Deletion.
Coding change: c.2135_2183del on transcript NM_000368.5 (MANE Select); coding-DNA positions 2135 to 2183, 49 bases deleted.
Protein change: p.His712fs; shifts the reading frame from histidine 712.
Molecular consequence: frameshift variant. On other transcripts: non-coding transcript variant (4).
Genome position (GRCh38, 1-based): chr9:132,903,676-132,903,724, 49 bases deleted; deleting any 49 consecutive bases within chr9:132,903,676-132,903,732 gives the same sequence; the c. name uses the placement nearest the transcript's 3' end. GRCh37 (hg19): chr9:135,779,071-135,779,119.
Other names: c.2132_2180del, p.His711fs (NM_001162426.2, NM_001406597.1, NM_001406598.1 and 4 more transcripts); c.1982_2030del, p.His661fs (NM_001162427.2, NM_001406610.1); c.1772_1820del, p.His591fs (NM_001362177.2, NM_001406614.1, NM_001406615.1 and 5 more transcripts); c.2135_2183del, p.His712fs (NM_001406592.1, NM_001406593.1, NM_001406594.1 and 5 more transcripts); c.2120_2168del, p.His707fs (NM_001406601.1, NM_001406602.1); c.2117_2165del, p.His706fs (NM_001406603.1, NM_001406604.1); c.1979_2027del, p.His660fs (NM_001406611.1, NM_001406612.1, NM_001406613.1); c.1769_1817del, p.His590fs (NM_001406620.1, NM_001406621.1, NM_001406622.1 and 2 more transcripts); and 3 more; short protein forms H361fs, H394fs, H395fs, H590fs, H591fs, H660fs, H661fs, H706fs.
Identifiers: ClinVar variation 4856024 (VCV004856024.1).
Genomic context (GRCh38, chr9:132,903,675, plus strand): 5'-AAAGCAAGCTCCACCTGTCCCCTCCCCAGTCCTCACCATGGCAGCATTATGTTCCTCCAG[AGCTGCTGCTTTGATCACCTTGCGGAGGAGCCGCCTGTTCCGGAGGGCAT>A]GCTGCTGCCTCTTAAAACGCTCATAGAGTAACTGGTTGTGCAGTAAAAGCAACTGGTCTC-3'